The following is an entry in ClinVar:

NM_005050.4(ABCD4):c.1357C>T (p.Pro453Ser)

Gene: ABCD4 (ATP binding cassette subfamily D member 4; minus strand). Cytogenetic location: 14q24.3.
Variant type: single nucleotide variant.
Coding change: c.1357C>T on transcript NM_005050.4 (MANE Select); coding-DNA position 1357, C replaced by T.
Protein change: p.Pro453Ser; replaces proline 453 with serine.
Molecular consequence: missense variant. On other transcripts: non-coding transcript variant (1).
Genome position (GRCh38, 1-based): chr14:74,290,089, G>A on the plus strand (C>T on the coding strand, the complement: ABCD4 is on the minus strand). VCF-style: chr14-74290089-G-A. GRCh37 (hg19) VCF-style: chr14-74756792-G-A.
Other names: c.1231C>T, p.Pro411Ser (NM_001353591.2, NM_001353592.2); c.1096C>T, p.Pro366Ser (NM_001353593.2); c.1045C>T, p.Pro349Ser (NM_001353594.2); c.943C>T, p.Pro315Ser (NM_001353595.2, NM_001353596.2); c.892C>T, p.Pro298Ser (NM_001353597.2); c.880C>T, p.Pro294Ser (NM_001353598.2, NM_001353599.2, NM_001353600.2 and 2 more transcripts); c.568C>T, p.Pro190Ser (NM_001353602.2, NM_001353603.2, NM_001353604.2 and 6 more transcripts); c.1228C>T, p.Pro410Ser (NM_020323.1); and 1 more; short protein forms P190S, P315S, P349S, P410S, P294S, P298S, P411S, P366S.
Identifiers: ClinVar variation 1988156 (VCV001988156.3), dbSNP rs1418392751, ClinGen allele CA390380812.

ClinVar aggregate classification (germline): Uncertain significance (1 of 4 stars; one submission).

Conditions:
Methylmalonic acidemia with homocystinuria, type cblJ (MAHCJ). Also called: METHYLMALONIC ACIDURIA AND HOMOCYSTINURIA, cblJ TYPE. Identifiers: Orphanet 369955, MedGen C3553915, MONDO:0013925, OMIM 614857.

Allele frequency attached by ClinVar (database versions not stated): gnomAD exomes below 0.00001; gnomAD 0.00001; TOPMed 0.00001.
gnomAD v4.1: 6 of 1,614,006 alleles (0.00037%); highest among the groups gnomAD compares: Admixed American, 0.0083%; no homozygotes.

Submission:

Labcorp Genetics (formerly Invitae), Labcorp
Classification: Uncertain significance for Methylmalonic acidemia with homocystinuria, type cblJ. Last evaluated: 2023-08-10. Review status: criteria provided, single submitter. Criteria: Invitae Variant Classification Sherloc (09022015). Collection method: clinical testing. Allele origin: germline.
Comment: Advanced modeling of protein sequence and biophysical properties (such as structural, functional, and spatial information, amino acid conservation, physicochemical variation, residue mobility, and thermodynamic stability) performed at Invitae indicates that this missense variant is expected to disrupt ABCD4 protein function. In summary, the available evidence is currently insufficient to determine the role of this variant in disease. Therefore, it has been classified as a Variant of Uncertain Significance. ClinVar contains an entry for this variant (Variation ID: 1988156). This variant has not been reported in the literature in individuals affected with ABCD4-related conditions. This variant is present in population databases (no rsID available, gnomAD 0.009%). This sequence change replaces proline, which is neutral and non-polar, with serine, which is neutral and polar, at codon 453 of the ABCD4 protein (p.Pro453Ser).